The following is an entry in ClinVar:

NM_000038.6(APC):c.1863_1866del (p.Tyr622fs)

Gene: APC (APC regulator of Wnt signaling pathway; plus strand). Cytogenetic location: 5q22.2.
Variant type: Microsatellite.
Coding change: c.1863_1866del on transcript NM_000038.6 (MANE Select); coding-DNA positions 1863 to 1866, 4 bases deleted (TTAC; older notation c.1863_1866delTTAC).
Protein change: p.Tyr622fs; shifts the reading frame from tyrosine 622.
Molecular consequence: frameshift variant.
Genome position (GRCh38, 1-based): chr5:112,835,070-112,835,073, TTAC deleted; deleting any 4 consecutive bases within chr5:112,835,065-112,835,073 gives the same sequence; the c. name uses the placement nearest the transcript's 3' end. VCF-style (leftmost placement, unchanged base first): chr5-112835064-TCTTA-T. GRCh37 (hg19) VCF-style: chr5-112170761-TCTTA-T.
Other names: c.1863_1866del (NM_000038.5); c.1863_1866del, p.Tyr622fs (NM_001127510.3, NM_001354895.2); c.1809_1812del, p.Tyr604fs (NM_001127511.3); c.1917_1920del, p.Tyr640fs (NM_001354896.2); c.1893_1896del, p.Tyr632fs (NM_001354897.2); c.1788_1791del, p.Tyr597fs (NM_001354898.2); c.1779_1782del, p.Tyr594fs (NM_001354899.2); c.1740_1743del, p.Tyr581fs (NM_001354900.2); and 7 more; short protein forms Y339fs, Y462fs, Y496fs, Y521fs, Y531fs, Y563fs, Y581fs, Y594fs.
Identifiers: ClinVar variation 987441 (VCV000987441.10), dbSNP rs1764719091, ClinGen allele CA645562817.

ClinVar aggregate classification (germline): Pathogenic. Review status: criteria provided, multiple submitters, no conflicts (2 of 4 stars). 5 submissions from 5 submitters: Pathogenic (5). Last evaluated 2025-09-24.

Conditions:
Hereditary cancer-predisposing syndrome. Also called: Hereditary Cancer Syndrome; Neoplastic Syndromes, Hereditary; Tumor predisposition; Hereditary neoplastic syndrome. Identifiers: Orphanet 140162, MedGen C0027672, MeSH D009386, MONDO:0015356.
Familial adenomatous polyposis 1 (FAP1). Also called: FAMILIAL ADENOMATOUS POLYPOSIS 1, ATTENUATED; POLYPOSIS, ADENOMATOUS INTESTINAL. Identifiers: MedGen C2713442, MONDO:0021056, OMIM 175100. Disease mechanism: loss of function.

Submissions (5):

Ambry Genetics
Classification: Pathogenic for Hereditary cancer-predisposing syndrome. Last evaluated: 2025-09-24. Review status: criteria provided, single submitter. Criteria: Ambry Variant Classification Scheme 2023. Collection method: clinical testing. Allele origin: germline.
Comment: The c.1863_1866delTTAC pathogenic mutation, located in coding exon 14 of the APC gene, results from a deletion of 4 nucleotides at nucleotide positions 1863 to 1866, causing a translational frameshift with a predicted alternate stop codon (p.Y622Gfs*7). This variant was reported in individual(s) with features consistent with APC-related familial adenomatous polyposis (Friedl W et al. Gut, 2001 Apr;48:515-21; Andresen PA et al. J Cancer Res Clin Oncol, 2009 Oct;135:1463-70; Ambry internal data). This variant is considered to be rare based on population cohorts in the Genome Aggregation Database (gnomAD). This alteration is expected to result in loss of function by premature protein truncation or nonsense-mediated mRNA decay. As such, this alteration is interpreted as a disease-causing mutation.

GeneDx
Classification: Pathogenic. Last evaluated: 2023-09-21. Review status: criteria provided, single submitter. Criteria: GeneDx Variant Classification Process June 2021. Collection method: clinical testing. Allele origin: germline. Affected: yes.
Comment: Frameshift variant predicted to result in protein truncation or nonsense mediated decay in a gene for which loss of function is a known mechanism of disease; Not observed at significant frequency in large population cohorts (gnomAD); Also known as 1863delTTAC; This variant is associated with the following publications: (PMID: 33654310, 35968980, 11247896)

Myriad Genetics, Inc.
Classification: Pathogenic for Familial adenomatous polyposis 1. Last evaluated: 2023-05-03. Review status: criteria provided, single submitter. Criteria: Myriad Autosomal Dominant, Autosomal Recessive and X-Linked Classification Criteria (2023). Collection method: clinical testing. Allele origin: unknown.
Comment: This variant is considered pathogenic. This variant creates a frameshift predicted to result in premature protein truncation.

Labcorp Genetics (formerly Invitae), Labcorp
Classification: Pathogenic for Familial adenomatous polyposis 1. Last evaluated: 2022-04-15. Review status: criteria provided, single submitter. Criteria: Invitae Variant Classification Sherloc (09022015). Collection method: clinical testing. Allele origin: germline.
Comment: For these reasons, this variant has been classified as Pathogenic. This variant is also known as 1866 TAC-TAG; Tyr-Stop. This premature translational stop signal has been observed in individual(s) with familial adenomatous polyposis (PMID: 11247896, 33654310). This variant is not present in population databases (gnomAD no frequency). This sequence change creates a premature translational stop signal (p.Tyr622Glyfs*7) in the APC gene. It is expected to result in an absent or disrupted protein product. Loss-of-function variants in APC are known to be pathogenic (PMID: 17963004, 20685668).

Institute of Medical Genetics and Applied Genomics, University Hospital Tübingen
Classification: Pathogenic. Last evaluated: 2020-10-23. Review status: criteria provided, single submitter. Criteria: ACMG Guidelines, 2015. Collection method: clinical testing. Allele origin: germline. Inheritance: Unknown mechanism. Affected: yes.

Literature cited by the submitters: PubMed 11247896 (cited by Ambry Genetics and Labcorp Genetics (formerly Invitae), Labcorp); PubMed 19444466 (cited by Ambry Genetics); PubMed 33654310 (cited by Labcorp Genetics (formerly Invitae), Labcorp); PubMed 17963004 (cited by Labcorp Genetics (formerly Invitae), Labcorp); PubMed 20685668 (cited by Labcorp Genetics (formerly Invitae), Labcorp).